The following is an entry in ClinVar:

ClinVar aggregate classification (germline): Likely pathogenic (1 of 4 stars; one submission).

Conditions:
Polycystic kidney disease, adult type (PKD1). Also called: Polycystic Kidney, Autosomal Dominant; POLYCYSTIC KIDNEY DISEASE, ADULT, TYPE I; Polycystic Kidney Disease 1, Autosomal Dominant; Polycystic kidney disease 1; Polycystic kidney disease 1, severe; POLYCYSTIC KIDNEY DISEASE 1 WITH OR WITHOUT POLYCYSTIC LIVER DISEASE. Identifiers: MedGen C3149841, MONDO:0008263, OMIM 173900.

Submission:

Genetics Department, Catlab
Classification: Likely pathogenic for Polycystic kidney disease, adult type. Last evaluated: 2025-12-18. Review status: criteria provided, single submitter. Criteria: ACMG Guidelines, 2015. Collection method: clinical testing. Allele origin: germline. Affected: yes.
Comment: The c.3982T>G missense variant changes a tryptophan at position 1328 of the protein for a glycine. The variant is absent from the gnomAD v4.1 (PM2_moderate) and has a REVEL score of 0.893 (PP3_moderate). Variant c.3982T>C in the same position has been described as likely pathogenic in a patient affected with PQRAD-1 (PMID: 22383692) (PM5_moderate). With all the available evidence, the variant is classified as likely pathogenic.

NM_001009944.3(PKD1):c.3982T>G (p.Trp1328Gly)

Gene: PKD1 (polycystin 1, transient receptor potential channel interacting; minus strand). Cytogenetic location: 16p13.3.
Variant type: single nucleotide variant.
Coding change: c.3982T>G on transcript NM_001009944.3 (MANE Select); coding-DNA position 3982, T replaced by G.
Protein change: p.Trp1328Gly; replaces tryptophan 1328 with glycine.
Molecular consequence: missense variant.
Genome position (GRCh38, 1-based): chr16:2,111,185, A>C on the plus strand (T>G on the coding strand, the complement: PKD1 is on the minus strand). VCF-style: chr16-2111185-A-C. GRCh37 (hg19) VCF-style: chr16-2161186-A-C.
Other names: c.3982T>G, p.Trp1328Gly (NM_000296.4); short protein forms W1328G.
Identifiers: ClinVar variation 4538489 (VCV004538489.1).